The following is an entry in ClinVar:

ClinVar aggregate classification (germline): Conflicting classifications of pathogenicity. Review status: criteria provided, conflicting classifications (1 of 4 stars). 3 submissions from 3 submitters: Uncertain significance (2); Likely benign (1). Last evaluated 2024-09-26.

Conditions:
Focal segmental glomerulosclerosis 5 (FSGS5). Identifiers: Orphanet 656, MedGen C2750475, MONDO:0013191, OMIM 613237.
Charcot-Marie-Tooth disease dominant intermediate E. Also called: CHARCOT-MARIE-TOOTH NEUROPATHY WITH FOCAL SEGMENTAL GLOMERULONEPHRITIS. Identifiers: Orphanet 93114, MedGen C4302667, MONDO:0013758, OMIM 614455.
Inborn genetic diseases. Identifiers: MedGen C0950123, MeSH D030342.

Allele frequency attached by ClinVar (database versions not stated): gnomAD exomes 0.00001 and 0.00002; ExAC 0.00002.
gnomAD v4.1: 7 of 1,613,188 alleles (0.00043%); highest among the groups gnomAD compares: Admixed American, 0.0083%; no homozygotes.

Submissions (3):

Ambry Genetics
Classification: Likely benign for Inborn genetic diseases. Last evaluated: 2024-09-26. Review status: criteria provided, single submitter. Criteria: Ambry Variant Classification Scheme 2023. Collection method: clinical testing. Allele origin: germline.

Labcorp Genetics (formerly Invitae), Labcorp
Classification: Uncertain significance for Charcot-Marie-Tooth disease dominant intermediate E; Focal segmental glomerulosclerosis 5. Last evaluated: 2021-08-11. Review status: criteria provided, single submitter. Criteria: Invitae Variant Classification Sherloc (09022015). Collection method: clinical testing. Allele origin: germline.
Comment: In summary, the available evidence is currently insufficient to determine the role of this variant in disease. Therefore, it has been classified as a Variant of Uncertain Significance. This variant has not been reported in the literature in individuals with INF2-related conditions. ClinVar contains an entry for this variant (Variation ID: 246261). This variant is present in population databases (rs756038490, ExAC 0.02%). This sequence change replaces valine with methionine at codon 669 of the INF2 protein (p.Val669Met). The valine residue is moderately conserved and there is a small physicochemical difference between valine and methionine.

GeneDx
Classification: Uncertain significance. Last evaluated: 2016-01-29. Review status: criteria provided, single submitter. Criteria: GeneDx Variant Classification (06012015). Collection method: clinical testing. Allele origin: germline. Affected: yes.
Comment: The V669M variant in the INF2 gene has not been reported previously as a pathogenic variant, nor as a benign variant, to our knowledge. The V669M variant was not observed in approximately 6100 individuals of European and African American ancestry in the NHLBI Exome Sequencing Project, indicating it is not a common benign variant in these populations. The V669M variant is a conservative amino acid substitution, which is not likely to impact secondary protein structure as these residues share similar properties. This substitution occurs at a position where amino acids with similar properties to Valine are tolerated across species. In silico analysis is inconsistent in its predictions as to whether or not the variant is damaging to the protein structure/function. We interpret V669M as a variant of uncertain significance.

NM_022489.4(INF2):c.2005G>A (p.Val669Met)

Gene: INF2 (inverted formin 2; plus strand). Cytogenetic location: 14q32.33.
Variant type: single nucleotide variant.
Coding change: c.2005G>A on transcript NM_022489.4 (MANE Select); coding-DNA position 2005, G replaced by A.
Protein change: p.Val669Met; replaces valine 669 with methionine.
Molecular consequence: missense variant.
Genome position (GRCh38, 1-based): chr14:104,709,336, G>A. VCF-style: chr14-104709336-G-A. GRCh37 (hg19) VCF-style: chr14-105175673-G-A.
Other names: c.2005G>A, p.Val669Met (NM_001031714.4); short protein forms V669M.
Identifiers: ClinVar variation 246261 (VCV000246261.11), dbSNP rs756038490, ClinGen allele CA7372774.